The following is an entry in ClinVar:

ClinVar aggregate classification (germline): Uncertain significance. Review status: criteria provided, multiple submitters, no conflicts (2 of 4 stars). 2 submissions from 2 submitters: Uncertain significance (2). Last evaluated 2022-07-18.

Conditions:
Inborn genetic diseases. Identifiers: MedGen C0950123, MeSH D030342.

Allele frequency attached by ClinVar (database versions not stated): gnomAD exomes below 0.00001.

Submissions (2):

Labcorp Genetics (formerly Invitae), Labcorp
Classification: Uncertain significance. Last evaluated: 2022-07-18. Review status: criteria provided, single submitter. Criteria: Invitae Variant Classification Sherloc (09022015). Collection method: clinical testing. Allele origin: germline.
Comment: In summary, the available evidence is currently insufficient to determine the role of this variant in disease. Therefore, it has been classified as a Variant of Uncertain Significance. Algorithms developed to predict the effect of missense changes on protein structure and function (SIFT, PolyPhen-2, Align-GVGD) all suggest that this variant is likely to be tolerated. ClinVar contains an entry for this variant (Variation ID: 1022047). This variant has not been reported in the literature in individuals affected with ERCC3-related conditions. This variant is not present in population databases (gnomAD no frequency). This sequence change replaces histidine, which is basic and polar, with arginine, which is basic and polar, at codon 762 of the ERCC3 protein (p.His762Arg).

Ambry Genetics
Classification: Uncertain significance for Inborn genetic diseases. Last evaluated: 2021-12-03. Review status: criteria provided, single submitter. Criteria: Ambry Variant Classification Scheme 2023. Collection method: clinical testing. Allele origin: germline.

NM_000122.2(ERCC3):c.2285A>G (p.His762Arg)

Gene: ERCC3 (ERCC excision repair 3, TFIIH core complex helicase subunit; minus strand). Cytogenetic location: 2q14.3.
Variant type: single nucleotide variant.
Coding change: c.2285A>G on transcript NM_000122.2 (MANE Select); coding-DNA position 2285, A replaced by G.
Protein change: p.His762Arg; replaces histidine 762 with arginine.
Molecular consequence: missense variant.
Genome position (GRCh38, 1-based): chr2:127,257,660, T>C on the plus strand (A>G on the coding strand, the complement: ERCC3 is on the minus strand). VCF-style: chr2-127257660-T-C. GRCh37 (hg19) VCF-style: chr2-128015236-T-C.
Other names: c.2093A>G, p.His698Arg (NM_001303416.2, NM_001303418.2); c.2285A>G (NM_000122.1); short protein forms H698R, H762R.
Identifiers: ClinVar variation 1022047 (VCV001022047.9), dbSNP rs1684056933, ClinGen allele CA348385336.